The following is an entry in ClinVar:

NM_000168.6(GLI3):c.3788T>C (p.Val1263Ala)

Gene: GLI3 (GLI family zinc finger 3; minus strand). Cytogenetic location: 7p14.1.
Variant type: single nucleotide variant.
Coding change: c.3788T>C on transcript NM_000168.6 (MANE Select); coding-DNA position 3788, T replaced by C.
Protein change: p.Val1263Ala; replaces valine 1263 with alanine.
Molecular consequence: missense variant.
Genome position (GRCh38, 1-based): chr7:41,965,285, A>G on the plus strand (T>C on the coding strand, the complement: GLI3 is on the minus strand). VCF-style: chr7-41965285-A-G. GRCh37 (hg19) VCF-style: chr7-42004883-A-G.
Other names: short protein forms V1263A.
Identifiers: ClinVar variation 4992704 (VCV004992704.1).

ClinVar aggregate classification (germline): Uncertain significance (1 of 4 stars; one submission).

Conditions:
GLI3-related disorder. Also called: GLI3-related condition; GLI3-related disorders. Identifiers: MedGen CN239292.

gnomAD v4.1: 2 of 1,613,622 alleles (0.00012%); highest among the groups gnomAD compares: African/African-American, 0.0013%; no homozygotes.

Submission:

PreventionGenetics, part of Exact Sciences
Classification: Uncertain significance for GLI3-related condition. Last evaluated: 2025-11-26. Review status: criteria provided, single submitter. Criteria: ACMG Guidelines, 2015. Collection method: clinical testing. Allele origin: germline.
Comment: The GLI3 c.3788T>C variant is predicted to result in the amino acid substitution p.Val1263Ala. To our knowledge, this variant has not been reported in the literature or in a large population database (gnomAD), indicating this variant is rare. At this time, the clinical significance of this variant is uncertain due to the absence of conclusive functional and genetic evidence.